The following is an entry in ClinVar:

ClinVar aggregate classification (germline): Uncertain significance (1 of 4 stars; one submission).

Submission:

Labcorp Genetics (formerly Invitae), Labcorp
Classification: Uncertain significance. Last evaluated: 2022-11-14. Review status: criteria provided, single submitter. Criteria: Invitae Variant Classification Sherloc (09022015). Collection method: clinical testing. Allele origin: germline.
Comment: In summary, the available evidence is currently insufficient to determine the role of this variant in disease. Therefore, it has been classified as a Variant of Uncertain Significance. Advanced modeling of protein sequence and biophysical properties (such as structural, functional, and spatial information, amino acid conservation, physicochemical variation, residue mobility, and thermodynamic stability) performed at Invitae indicates that this missense variant is not expected to disrupt SCN3A protein function. This variant has not been reported in the literature in individuals affected with SCN3A-related conditions. This variant is not present in population databases (gnomAD no frequency). This sequence change replaces glycine, which is neutral and non-polar, with alanine, which is neutral and non-polar, at codon 1637 of the SCN3A protein (p.Gly1637Ala).

NM_006922.4(SCN3A):c.4910G>C (p.Gly1637Ala)

Gene: SCN3A (sodium voltage-gated channel alpha subunit 3; minus strand). Cytogenetic location: 2q24.3.
Variant type: single nucleotide variant.
Coding change: c.4910G>C on transcript NM_006922.4 (MANE Select); coding-DNA position 4910, G replaced by C.
Protein change: p.Gly1637Ala; replaces glycine 1637 with alanine.
Molecular consequence: missense variant.
Genome position (GRCh38, 1-based): chr2:165,091,243, C>G on the plus strand (G>C on the coding strand, the complement: SCN3A is on the minus strand). VCF-style: chr2-165091243-C-G. GRCh37 (hg19) VCF-style: chr2-165947753-C-G.
Other names: c.4763G>C, p.Gly1588Ala (NM_001081676.2, NM_001081677.2); short protein forms G1637A, G1588A.
Identifiers: ClinVar variation 2814270 (VCV002814270.3), dbSNP rs777462985, ClinGen allele CA349018074.